The following is an entry in ClinVar:

ClinVar aggregate classification (germline): Uncertain significance. Review status: criteria provided, single submitter (1 of 4 stars). 2 submissions from 2 submitters: Uncertain significance (1). 1 of the submissions does not count toward it. Last evaluated 2025-08-05.

Conditions:
von Willebrand disease type 3 (VWD3). Also called: Type 3 Von Willebrand's disease; Type 3 VWD; Von Willebrand disease, severe form; V WD3; VON WILLEBRAND DISEASE, TYPE III. Identifiers: Orphanet 166096, MedGen C1264041, MONDO:0010191, OMIM 277480.

Submissions (2):

Quest Diagnostics Nichols Institute San Juan Capistrano
Classification: Uncertain significance. Last evaluated: 2025-08-05. Review status: criteria provided, single submitter. Criteria: Quest Diagnostics criteria. Collection method: clinical testing. Allele origin: unknown.
Comment: The VWF c.220G>A (p.Gly74Arg) variant has been reported in the published literature in individuals with von Willebrand disease Type 3 (PMIDs: 29984440 (2018) and 34351388 (2021)). This variant has not been reported in large, multi-ethnic general populations (Genome Aggregation Database). Analysis of this variant using software algorithms for the prediction of the effect of nucleotide changes on splicing yielded predictions that this variant may affect proper VWF mRNA splicing. Based on the available information, we are unable to determine the clinical significance of this variant.

Angelo Bianchi Bonomi Hemophilia and Thrombosis Center, Fondazione IRCCS Ca Granda Ospedale Maggiore Policlinico
Classification: Uncertain significance for von Willebrand disease type 3. Last evaluated: 2020-11-01. Review status: no assertion criteria provided. Collection method: clinical testing. Allele origin: germline. Affected: yes. Study: Type 3 Von Willebrand International Registries Inhibitor Prospective Study (3WINTERS-IPS). Not counted in ClinVar's aggregate classification.
Comment: ClinGen Pathogenicity Calculator

Literature cited by the submitters: PubMed 29984440 (cited by Quest Diagnostics Nichols Institute San Juan Capistrano); PubMed 34351388 (cited by Quest Diagnostics Nichols Institute San Juan Capistrano).

NM_000552.5(VWF):c.220G>A (p.Gly74Arg)

Gene: VWF (von Willebrand factor; minus strand). Cytogenetic location: 12p13.31.
Variant type: single nucleotide variant.
Coding change: c.220G>A on transcript NM_000552.5 (MANE Select); coding-DNA position 220, G replaced by A.
Protein change: p.Gly74Arg; replaces glycine 74 with arginine.
Molecular consequence: missense variant.
Genome position (GRCh38, 1-based): chr12:6,121,174, C>T on the plus strand (G>A on the coding strand, the complement: VWF is on the minus strand). VCF-style: chr12-6121174-C-T. GRCh37 (hg19) VCF-style: chr12-6230340-C-T.
Other names: c.220G>A (NM_000552.4); short protein forms G74R.
Identifiers: ClinVar variation 1065255 (VCV001065255.4), dbSNP rs2136535320, ClinGen allele CA383507438.